The following is an entry in ClinVar:

ClinVar aggregate classification (germline): Pathogenic/Likely pathogenic. Review status: criteria provided, multiple submitters, no conflicts (2 of 4 stars). 6 submissions from 6 submitters: Pathogenic (4); Likely pathogenic (1). 1 of the submissions does not count toward it. Last evaluated 2025-10-24.

Conditions:
Glycogen storage disease type III (GSD3). Also called: Cori disease; FORBES DISEASE. Identifiers: Orphanet 366, MedGen C0017922, MONDO:0009291, OMIM 232400.

Submissions (6):

Labcorp Genetics (formerly Invitae), Labcorp
Classification: Pathogenic for Glycogen storage disease type III. Last evaluated: 2025-10-24. Review status: criteria provided, single submitter. Criteria: Invitae Variant Classification Sherloc (09022015). Collection method: clinical testing. Allele origin: germline.
Comment: This sequence change creates a premature translational stop signal (p.Gly1273Asnfs*18) in the AGL gene. It is expected to result in an absent or disrupted protein product. Loss-of-function variants in AGL are known to be pathogenic (PMID: 19299494). This variant is not present in population databases (gnomAD no frequency). This premature translational stop signal has been observed in individual(s) with glycogen storage disease type III (PMID: 10982190, 31028654). This variant is also known as 4216-4217delAG or 3814_3815delAG. For these reasons, this variant has been classified as Pathogenic.

Natera, Inc.
Classification: Pathogenic for Glycogen storage disease type III. Last evaluated: 2025-10-20. Review status: criteria provided, single submitter. Criteria: Natera Variant Classification Schema (03/2026). Collection method: clinical testing. Allele origin: germline.
Comment: The c.3816_3817delAG variant in AGL is a frameshift variant predicted to shift the reading frame beginning at codon 1273 and leads to a stop codon 18 codons downstream. This variant is expected to result in nonsense mediated decay, truncation, or a dysfunctional protein product. This variant is rare in the general population with a frequency below the threshold expected for the associated phenotype(s). This variant has been observed in one or more individuals affected with the associated recessive disease, as either homozygous or compound heterozygous with a second variant (PMID: 10982190, 31028654, 32405178). Given the available evidence, this variant is classified as Pathogenic.

Kariminejad - Najmabadi Pathology & Genetics Center
Classification: Pathogenic for Glycogen storage disease type III. Last evaluated: 2023-02-10. Review status: criteria provided, single submitter. Criteria: ACMG Guidelines, 2015. Collection method: clinical testing. Allele origin: germline. Inheritance: Autosomal recessive inheritance. Affected: yes.
Comment: PVS1,PM2,PM3,PP5

Genetics and Molecular Pathology, SA Pathology
Classification: Pathogenic for Glycogen storage disease type III. Last evaluated: 2022-10-27. Review status: criteria provided, single submitter. Criteria: ACMG Guidelines, 2015. Collection method: clinical testing. Allele origin: germline. Inheritance: Autosomal recessive inheritance. Affected: yes.
Comment: The AGL c.3816_3817del variant is classified as Pathogenic (PVS1, PS4_Moderate, PM2, PM3) The AGL c.3816_3817del variant is located in exon 28/34 and is predicted to cause a shift in the reading frame at codon 1273, resulting in the introduction of a premature stop codon 18bp downstream (PVS1). The variant has been reported in at least 3 probands with a clinical presentation of Glycogen Storage Disease III (PS4_Moderate). The variant is rare in population databases (PM2). This variant has been previously reported in trans with pathogenic variants for this recessive condition (Okubo et al, 2000 PubMed: 10982190; Laforet et al, 2019 PubMed: 31661040) (PM3). The variant has been reported in dbSNP (rs867341758) and in the HGMD database: CD000242. It has been reported as Pathogenic/Likely pathogenic by other diagnostic laboratories (ClinVar Variation ID: 371009).

Genome-Nilou Lab
Classification: Likely pathogenic for Glycogen storage disease type III. Last evaluated: 2021-07-15. Review status: criteria provided, single submitter. Criteria: ACMG Guidelines, 2015. Collection method: clinical testing. Allele origin: germline. Affected: no.

Counsyl
Classification: Likely pathogenic for Glycogen storage disease type III. Last evaluated: 2016-06-03. Review status: no assertion criteria provided. Collection method: clinical testing. Allele origin: unknown. Not counted in ClinVar's aggregate classification.

Literature cited by the submitters: PubMed 19299494 (cited by Labcorp Genetics (formerly Invitae), Labcorp); PubMed 10982190 (cited by 4 submitters); PubMed 31028654 (cited by Labcorp Genetics (formerly Invitae), Labcorp and Natera, Inc.); PubMed 32405178 (cited by Natera, Inc.); PubMed 31661040 (cited by Genetics and Molecular Pathology, SA Pathology).

NM_000642.3(AGL):c.3816_3817del (p.Gly1273fs)

Gene: AGL (amylo-alpha-1,6-glucosidase and 4-alpha-glucanotransferase; plus strand). Cytogenetic location: 1p21.2.
Variant type: Microsatellite.
Coding change: c.3816_3817del on transcript NM_000642.3 (MANE Select); coding-DNA positions 3816 to 3817, 2 bases deleted (AG; older notation c.3816_3817delAG).
Protein change: p.Gly1273fs; shifts the reading frame from glycine 1273.
Molecular consequence: frameshift variant.
Genome position (GRCh38, 1-based): chr1:99,910,827-99,910,828, AG deleted; deleting any 2 consecutive bases within chr1:99,910,825-99,910,828 gives the same sequence; the c. name uses the placement nearest the transcript's 3' end. VCF-style (leftmost placement, unchanged base first): chr1-99910824-CAG-C. GRCh37 (hg19) VCF-style: chr1-100376380-CAG-C.
Other names: c.3816_3817delAG (NM_000642.3); c.3814_3815AG[1], p.Gly1273Asnfs (NM_000028.3, NM_000643.3, NM_000644.3 and 1 more transcripts); c.3766_3767AG[1], p.Gly1257Asnfs (NM_000646.3); c.3793_3794AG[1], p.Gly1266Asnfs (NM_001425326.1); c.3613_3614AG[1], p.Gly1206Asnfs (NM_001425327.1); c.3610_3611AG[1], p.Gly1205Asnfs (NM_001425328.1); c.3475_3476AG[1], p.Gly1160Asnfs (NM_001425329.1); c.3436_3437AG[1], p.Gly1147Asnfs (NM_001425332.1); short protein forms G1273fs, G1257fs.
Identifiers: ClinVar variation 371009 (VCV000371009.18), dbSNP rs867341758, ClinGen allele CA16040846.
Genomic context (GRCh38, chr1:99,910,824, plus strand): 5'-AAATCGTTTCAATTGTGGCACATGGATGGATAAAATGGGAGAAAGTGACAGAGCTAGAAA[CAG>C]AGGAATCCCAGCCACACCAAGGTAGTGTAAATGTTATAATGCTGTGTAATTATACCCTTC-3'